The following is an entry in ClinVar:

NM_002528.7(NTHL1):c.193A>G (p.Ser65Gly)

Gene: NTHL1 (nth like DNA glycosylase 1; minus strand). Cytogenetic location: 16p13.3.
Variant type: single nucleotide variant.
Coding change: c.193A>G on transcript NM_002528.7 (MANE Select); coding-DNA position 193, A replaced by G.
Protein change: p.Ser65Gly; replaces serine 65 with glycine.
Molecular consequence: missense variant. On other transcripts: synonymous variant (1).
Genome position (GRCh38, 1-based): chr16:2,046,289, T>C on the plus strand (A>G on the coding strand, the complement: NTHL1 is on the minus strand). VCF-style: chr16-2046289-T-C. GRCh37 (hg19) VCF-style: chr16-2096290-T-C.
Other names: c.193A>G, p.Ser65Gly (LRG_1366t1, NM_001318193.2); c.15A>G, p.Thr5= (NM_001318194.2); c.217A>G (NM_002528.5); short protein forms S65G.
Identifiers: ClinVar variation 662702 (VCV000662702.11), dbSNP rs1596223211, ClinGen allele CA394297671.

ClinVar aggregate classification (germline): Conflicting classifications of pathogenicity. Review status: criteria provided, conflicting classifications (1 of 4 stars). 2 submissions from 2 submitters: Uncertain significance (1); Likely benign (1). Last evaluated 2025-12-07.

Conditions:
Hereditary cancer-predisposing syndrome. Also called: Neoplastic Syndromes, Hereditary; Tumor predisposition; Hereditary neoplastic syndrome; Hereditary Cancer Syndrome. Identifiers: Orphanet 140162, MedGen C0027672, MeSH D009386, MONDO:0015356.

Submissions (2):

Ambry Genetics
Classification: Likely benign for Hereditary cancer-predisposing syndrome. Last evaluated: 2025-12-07. Review status: criteria provided, single submitter. Criteria: Ambry Variant Classification Scheme 2023. Collection method: clinical testing. Allele origin: germline.

Labcorp Genetics (formerly Invitae), Labcorp
Classification: Uncertain significance. Last evaluated: 2022-03-20. Review status: criteria provided, single submitter. Criteria: Invitae Variant Classification Sherloc (09022015). Collection method: clinical testing. Allele origin: germline.
Comment: In summary, the available evidence is currently insufficient to determine the role of this variant in disease. Therefore, it has been classified as a Variant of Uncertain Significance. Algorithms developed to predict the effect of missense changes on protein structure and function output the following: SIFT: "Not Available"; PolyPhen-2: "Benign"; Align-GVGD: "Not Available". The glycine amino acid residue is found in multiple mammalian species, which suggests that this missense change does not adversely affect protein function. ClinVar contains an entry for this variant (Variation ID: 662702). This variant has not been reported in the literature in individuals affected with NTHL1-related conditions. This variant is not present in population databases (gnomAD no frequency). This sequence change replaces serine, which is neutral and polar, with glycine, which is neutral and non-polar, at codon 73 of the NTHL1 protein (p.Ser73Gly).